The following is an entry in ClinVar:

ClinVar aggregate classification (germline): Uncertain significance (1 of 4 stars; one submission).

Conditions:
Glanzmann thrombasthenia. Also called: Glanzmann's thrombasthenia; BLEEDING DISORDER, PLATELET-TYPE, 2; THROMBASTHENIA OF GLANZMANN AND NAEGELI; Thrombasthenia; PLATELET GLYCOPROTEIN IIb-IIIa DEFICIENCY. Identifiers: Orphanet 849, MedGen C0040015, MONDO:0100326.

gnomAD v4.1: 7 of 1,572,764 alleles (0.00045%); highest among the groups gnomAD compares: Admixed American, 0.0019%; no homozygotes.

Submission:

Labcorp Genetics (formerly Invitae), Labcorp
Classification: Uncertain significance for Glanzmann thrombasthenia. Last evaluated: 2024-12-21. Review status: criteria provided, single submitter. Criteria: Invitae Variant Classification Sherloc (09022015). Collection method: clinical testing. Allele origin: germline.
Comment: This sequence change falls in intron 25 of the ITGA2B gene. It does not directly change the encoded amino acid sequence of the ITGA2B protein. It affects a nucleotide within the consensus splice site. This variant is not present in population databases (gnomAD no frequency). This variant has not been reported in the literature in individuals affected with ITGA2B-related conditions. Variants that disrupt the consensus splice site are a relatively common cause of aberrant splicing (PMID: 17576681, 9536098). Algorithms developed to predict the effect of sequence changes on RNA splicing suggest that this variant is not likely to affect RNA splicing. This variant disrupts the c.2602-3C nucleotide in the ITGA2B gene. Other variant(s) that disrupt this nucleotide have been determined to be pathogenic (PMID: 1317725, 29675921). This suggests that this nucleotide is clinically significant, and that variants that disrupt this position are likely to be disease-causing. In summary, the available evidence is currently insufficient to determine the role of this variant in disease. Therefore, it has been classified as a Variant of Uncertain Significance.

Literature cited by the submitters: PubMed 17576681; PubMed 9536098; PubMed 1317725; PubMed 29675921.

NM_000419.5(ITGA2B):c.2602-3C>T

Gene: ITGA2B (integrin subunit alpha 2b; minus strand). Cytogenetic location: 17q21.31.
Variant type: single nucleotide variant.
Coding change: c.2602-3C>T on transcript NM_000419.5 (MANE Select); 3 bases into the intron before coding-DNA position 2602, C replaced by T.
Molecular consequence: intron variant.
Genome position (GRCh38, 1-based): chr17:44,375,719, G>A on the plus strand (C>T on the coding strand, the complement: ITGA2B is on the minus strand). VCF-style: chr17-44375719-G-A. GRCh37 (hg19) VCF-style: chr17-42453087-G-A.
Identifiers: ClinVar variation 3709664 (VCV003709664.2).